The following is an entry in ClinVar:

NM_031308.4(EPPK1):c.4626G>T (p.Lys1542Asn)

Gene: EPPK1 (epiplakin 1; minus strand). Cytogenetic location: 8q24.3.
Variant type: single nucleotide variant.
Coding change: c.4626G>T on transcript NM_031308.4 (MANE Select); coding-DNA position 4626, G replaced by T.
Protein change: p.Lys1542Asn; replaces lysine 1542 with asparagine.
Molecular consequence: missense variant.
Genome position (GRCh38, 1-based): chr8:143,868,628, C>A on the plus strand (G>T on the coding strand, the complement: EPPK1 is on the minus strand). VCF-style: chr8-143868628-C-A. GRCh37 (hg19) VCF-style: chr8-144942796-C-A.
Other names: short protein forms K1542N.
Identifiers: ClinVar variation 2658933 (VCV002658933.25), dbSNP rs142520085, ClinGen allele CA4922436.

ClinVar aggregate classification (germline): Likely benign. Review status: criteria provided, single submitter (1 of 4 stars). 2 submissions from 2 submitters: Likely benign (1). 1 of the submissions does not count toward it. Last evaluated 2022-11-01.

Conditions:
EPPK1-related disorder. Also called: EPPK1-related condition.

Allele frequency attached by ClinVar (database versions not stated): 1000 Genomes Project 0.00200; 1000 Genomes Project 30x 0.00203; gnomAD 0.00384; TOPMed 0.00391; ESP Exome Variant Server 0.00563.
gnomAD v4.1: 9,181 of 1,596,678 alleles (0.58%); highest among the groups gnomAD compares: Middle Eastern, 1%; 43 homozygotes.

Submissions (2):

CeGaT Center for Human Genetics Tuebingen
Classification: Likely benign. Last evaluated: 2022-11-01. Review status: criteria provided, single submitter. Criteria: CeGaT Center For Human Genetics Tuebingen Variant Classification Criteria Version 2. Collection method: clinical testing. Allele origin: germline. Affected: yes. Observed: 1 variant allele.
Comment: EPPK1: BP4, BS2

PreventionGenetics, part of Exact Sciences
Classification: Benign for EPPK1-related condition. Last evaluated: 2021-04-14. Review status: no assertion criteria provided. Collection method: clinical testing. Allele origin: germline. Not counted in ClinVar's aggregate classification.
Comment: This variant is classified as benign based on ACMG/AMP sequence variant interpretation guidelines (Richards et al. 2015 PMID: 25741868, with internal and published modifications).